The following is an entry in ClinVar:

NM_001018113.3(FANCB):c.1615T>C (p.Tyr539His)

Gene: FANCB (FA complementation group B; minus strand). Cytogenetic location: Xp22.2.
Variant type: single nucleotide variant.
Coding change: c.1615T>C on transcript NM_001018113.3 (MANE Select); coding-DNA position 1615, T replaced by C.
Protein change: p.Tyr539His; replaces tyrosine 539 with histidine.
Molecular consequence: missense variant.
Genome position (GRCh38, 1-based): chrX:14,845,168, A>G on the plus strand (T>C on the coding strand, the complement: FANCB is on the minus strand). VCF-style: chrX-14845168-A-G. GRCh37 (hg19) VCF-style: chrX-14863290-A-G.
Other names: c.1615T>C, p.Tyr539His (NM_001324162.2, NM_152633.4); short protein forms Y539H.
Identifiers: ClinVar variation 1434707 (VCV001434707.9), dbSNP rs2147391126, ClinGen allele CA412440218.

ClinVar aggregate classification (germline): Uncertain significance. Review status: criteria provided, multiple submitters, no conflicts (2 of 4 stars). 2 submissions from 2 submitters: Uncertain significance (2). Last evaluated 2022-05-11.

Conditions:
Fanconi anemia (FA). Also called: Fanconi's anemia. Identifiers: Orphanet 84, MedGen C0015625, MeSH D005199, MONDO:0019391.
Fanconi anemia complementation group B (FANCB). Also called: FANCONI PANCYTOPENIA, TYPE 2; FANCB-Related Fanconi Anemia. Identifiers: Orphanet 84, MedGen C1845292, MONDO:0010351, OMIM 300514.
VACTERL association, X-linked, with or without hydrocephalus (VACTERLX). Also called: VACTERL-H, X-LINKED; VACTERL Association with Hydrocephalus, X-linked; X-linked VACTERL-H syndrome; VACTERL ASSOCIATION, X-LINKED. Identifiers: Orphanet 3412, MedGen C2931228, MONDO:0010752, OMIM 314390.

Submissions (2):

Fulgent Genetics
Classification: Uncertain significance for Fanconi anemia complementation group B; VACTERL association, X-linked, with or without hydrocephalus. Last evaluated: 2022-05-11. Review status: criteria provided, single submitter. Criteria: ACMG Guidelines, 2015. Collection method: clinical testing. Allele origin: unknown.

Labcorp Genetics (formerly Invitae), Labcorp
Classification: Uncertain significance for Fanconi anemia. Last evaluated: 2020-11-12. Review status: criteria provided, single submitter. Criteria: Invitae Variant Classification Sherloc (09022015). Collection method: clinical testing. Allele origin: germline.
Comment: In summary, the available evidence is currently insufficient to determine the role of this variant in disease. Therefore, it has been classified as a Variant of Uncertain Significance. Algorithms developed to predict the effect of missense changes on protein structure and function output the following: SIFT: "Tolerated"; PolyPhen-2: "Benign"; Align-GVGD: "Class C0". The histidine amino acid residue is found in multiple mammalian species, suggesting that this missense change does not adversely affect protein function. These predictions have not been confirmed by published functional studies and their clinical significance is uncertain. This sequence change replaces tyrosine with histidine at codon 539 of the FANCB protein (p.Tyr539His). The tyrosine residue is weakly conserved and there is a moderate physicochemical difference between tyrosine and histidine. This variant is not present in population databases (ExAC no frequency). This variant has not been reported in the literature in individuals with FANCB-related conditions.